The following is an entry in ClinVar:

ClinVar aggregate classification (germline): Uncertain significance (1 of 4 stars; one submission).

Submission:

Ambry Genetics
Classification: Uncertain significance. Last evaluated: 2025-04-28. Review status: criteria provided, single submitter. Criteria: Ambry Variant Classification Scheme 2023. Collection method: clinical testing. Allele origin: germline.
Comment: The p.T66A variant (also known as c.196A>G), located in coding exon 2 of the RAD51B gene, results from an A to G substitution at nucleotide position 196. The threonine at codon 66 is replaced by alanine, an amino acid with similar properties. This amino acid position is conserved. In addition, the in silico prediction for this alteration is inconclusive. Based on the available evidence, the clinical significance of this variant remains unclear.

NM_133510.4(RAD51B):c.196A>G (p.Thr66Ala)

Gene: RAD51B (RAD51 paralog B; plus strand). Cytogenetic location: 14q24.1.
Variant type: single nucleotide variant.
Coding change: c.196A>G on transcript NM_133510.4 (MANE Select); coding-DNA position 196, A replaced by G.
Protein change: p.Thr66Ala; replaces threonine 66 with alanine.
Molecular consequence: missense variant. On other transcripts: 5 prime UTR variant (1).
Genome position (GRCh38, 1-based): chr14:67,825,575, A>G. VCF-style: chr14-67825575-A-G. GRCh37 (hg19) VCF-style: chr14-68292292-A-G.
Other names: c.196A>G, p.Thr66Ala (NM_001321809.2, NM_001321810.2, NM_001321812.1 and 6 more transcripts); c.82A>G, p.Thr28Ala (NM_001321815.1); c.-260A>G (NM_001321817.2); short protein forms T28A, T66A.
Identifiers: ClinVar variation 3942303 (VCV003942303.1).
Genomic context (GRCh38, chr14:67,825,575, plus strand): 5'-TATCGAGGTGTCCATGAACTTCTATGTATGGTCAGCAGGGCCTGTGCCCCAAAGATGCAA[A>G]CGGTATATTTATATTTTATTATGATTTGATTATGAATGATTCCTCATCTCATTAAACATG-3'
Protein context (NP_598194.1, residues 56-76): VSRACAPKMQ[Thr66Ala]AYGIKAQRSA